The following is an entry in ClinVar:

ClinVar aggregate classification (germline): Likely pathogenic (1 of 4 stars; one submission).

Conditions:
Autosomal recessive spinocerebellar ataxia 12. Also called: SPINOCEREBELLAR ATAXIA WITH MENTAL RETARDATION AND EPILEPSY. Identifiers: Orphanet 284282, MedGen C3280452, MONDO:0013687, OMIM 614322.
Developmental and epileptic encephalopathy, 28 (DEE28). Also called: Epileptic encephalopathy, early infantile, 28. Identifiers: Orphanet 442835, MedGen C4015519, MONDO:0014533, OMIM 616211.

Submission:

First Genomix Gene Laboratory, Genetic Diagnostics Department
Classification: Likely pathogenic for Developmental and epileptic encephalopathy, 28; Autosomal recessive spinocerebellar ataxia 12. Last evaluated: 2025-09-23. Review status: criteria provided, single submitter. Criteria: ACMG Guidelines, 2015. Collection method: clinical testing. Allele origin: germline. Inheritance: Autosomal recessive inheritance. Affected: no. Observed: 1 variant allele.

NM_016373.4(WWOX):c.403G>T (p.Gly135Ter)

Gene: WWOX (WW domain containing oxidoreductase; plus strand). Cytogenetic location: 16q23.1.
Variant type: single nucleotide variant.
Coding change: c.403G>T on transcript NM_016373.4 (MANE Select); coding-DNA position 403, G replaced by T.
Protein change: p.Gly135Ter; replaces glycine 135 with a stop codon.
Molecular consequence: nonsense. On other transcripts: non-coding transcript variant (1).
Genome position (GRCh38, 1-based): chr16:78,115,148, G>T. VCF-style: chr16-78115148-G-T. GRCh37 (hg19) VCF-style: chr16-78149045-G-T.
Other names: c.64G>T, p.Gly22Ter (NM_001291997.2); c.403G>T, p.Gly135Ter (NM_130791.5); short protein forms G135*, G22*.
Identifiers: ClinVar variation 4850426 (VCV004850426.1).